The following is an entry in ClinVar:

ClinVar aggregate classification (germline): Pathogenic (1 of 4 stars; one submission).

Submission:

Labcorp Genetics (formerly Invitae), Labcorp
Classification: Pathogenic. Last evaluated: 2022-11-02. Review status: criteria provided, single submitter. Criteria: Invitae Variant Classification Sherloc (09022015). Collection method: clinical testing. Allele origin: germline.
Comment: A gross deletion of the genomic region encompassing the full coding sequence of the HBA2 gene has been identified. Loss-of-function variants in HBA2 are known to be pathogenic (PMID: 12393486, 27199182). Although HBA2 is associated with autosomal recessive disease, a closely related gene called HBA1, when present, can compensate for the loss of HBA2. Disruption of 1 or 2 of the 4 copies of the HBA1 and HBA2 genes is typically associated with no symptoms or very mild symptoms, while disruption of at least 3 of the 4 copies is associated with overt disease (PMID: 19618088, 21381239). Consistent with this, single gene deletions of HBA2 have been observed on the opposite chromosome (in trans) from deletions encompassing both HBA1 and HBA2 in individuals with HbH disease (PMID: 12393486, 23289204). Deletions encompassing both HBA1 and HBA2, sometimes along with other nearby genes, have been reported in many individuals affected with alpha-thalassemia and related diseases (PMID: 1520607, 7734346, 12393486, 27492767). For these reasons, this variant has been classified as Pathogenic.

Literature cited by the submitters: PubMed 12393486; PubMed 27199182; PubMed 19618088; PubMed 21381239; PubMed 23289204; PubMed 1520607; PubMed 7734346; PubMed 27492767.

NC_000016.10:g.(?_172913)_(173600_?)del

Genes: HBA2 (hemoglobin subunit alpha 2; plus strand), LOC106804612 (hemoglobin subunit alpha 2 recombination region; plus strand). Cytogenetic location: 16p13.3.
Variant type: Deletion.
Identifiers: ClinVar variation 639866 (VCV000639866.3).